The following is an entry in ClinVar:

ClinVar aggregate classification (germline): Uncertain significance (1 of 4 stars; one submission).

Allele frequency attached by ClinVar (database versions not stated): gnomAD exomes below 0.00001.
gnomAD v4.1: 2 of 1,614,090 alleles (0.00012%); highest among the groups gnomAD compares: Non-Finnish European, 0.00017%; no homozygotes.

Submission:

Labcorp Genetics (formerly Invitae), Labcorp
Classification: Uncertain significance. Last evaluated: 2021-09-01. Review status: criteria provided, single submitter. Criteria: Invitae Variant Classification Sherloc (09022015). Collection method: clinical testing. Allele origin: germline.
Comment: This sequence change replaces phenylalanine with leucine at codon 525 of the ADAMTS18 protein (p.Phe525Leu). The phenylalanine residue is highly conserved and there is a small physicochemical difference between phenylalanine and leucine. This variant is not present in population databases (ExAC no frequency). This variant has not been reported in the literature in individuals affected with ADAMTS18-related conditions. Algorithms developed to predict the effect of missense changes on protein structure and function are either unavailable or do not agree on the potential impact of this missense change (SIFT: "Not Available"; PolyPhen-2: "Benign"; Align-GVGD: "Not Available"). In summary, the available evidence is currently insufficient to determine the role of this variant in disease. Therefore, it has been classified as a Variant of Uncertain Significance.

NM_199355.4(ADAMTS18):c.1573T>C (p.Phe525Leu)

Gene: ADAMTS18 (ADAM metallopeptidase with thrombospondin type 1 motif 18; minus strand). Cytogenetic location: 16q23.1.
Variant type: single nucleotide variant.
Coding change: c.1573T>C on transcript NM_199355.4 (MANE Select); coding-DNA position 1573, T replaced by C.
Protein change: p.Phe525Leu; replaces phenylalanine 525 with leucine.
Molecular consequence: missense variant.
Genome position (GRCh38, 1-based): chr16:77,353,774, A>G on the plus strand (T>C on the coding strand, the complement: ADAMTS18 is on the minus strand). VCF-style: chr16-77353774-A-G. GRCh37 (hg19) VCF-style: chr16-77387671-A-G.
Other names: c.1057T>C, p.Phe353Leu (NM_001326358.2); short protein forms F525L, F353L.
Identifiers: ClinVar variation 1379006 (VCV001379006.6), dbSNP rs1369358717, ClinGen allele CA396834431.